The following is an entry in ClinVar:

ClinVar aggregate classification (germline): Uncertain significance. Review status: criteria provided, multiple submitters, no conflicts (2 of 4 stars). 2 submissions from 2 submitters: Uncertain significance (2). Last evaluated 2025-10-21.

Conditions:
Hereditary cancer-predisposing syndrome. Also called: Tumor predisposition; Hereditary Cancer Syndrome; Hereditary neoplastic syndrome; Neoplastic Syndromes, Hereditary. Identifiers: Orphanet 140162, MedGen C0027672, MeSH D009386, MONDO:0015356.

Submissions (2):

Color Diagnostics, LLC DBA Color Health
Classification: Uncertain significance for Hereditary cancer-predisposing syndrome. Last evaluated: 2025-10-21. Review status: criteria provided, single submitter. Criteria: ACMG Guidelines, 2015. Collection method: clinical testing. Allele origin: germline.
Comment: This variant substitutes 7 amino acid residues, p.Asn1259_Ser1266, with isoleucine and cysteine in the BRCA1 protein. To our knowledge, functional studies have not been reported for this variant. This variant has not been reported in individuals affected with BRCA1-related disorders in the literature. This variant has not been identified in the general population by the Genome Aggregation Database (gnomAD). The available evidence is insufficient to determine the role of this variant in disease conclusively. Therefore, this variant is classified as a Variant of Uncertain Significance.

Quest Diagnostics Nichols Institute San Juan Capistrano
Classification: Uncertain significance. Last evaluated: 2025-10-02. Review status: criteria provided, single submitter. Criteria: Quest Diagnostics criteria. Collection method: clinical testing. Allele origin: unknown.
Comment: The BRCA1 c.3776_3796delinsTTT (p.Asn1259_Ser1266delinsIleCys) variant has not been reported in individuals with BRCA1-related conditions in the published literature. This variant also has not been reported in large, multi-ethnic general populations (Genome Aggregation Database). Based on the available information, we are unable to determine the clinical significance of this variant.

NM_007294.4(BRCA1):c.3776_3796delinsTTT (p.Asn1259_Ser1266delinsIleCys)

Genes: BRCA1 (BRCA1 DNA repair associated; minus strand), LOC126862571 (BRD4-independent group 4 enhancer GRCh37_chr17:41243136-41244335; plus strand). Cytogenetic location: 17q21.31.
Variant type: Indel.
Coding change: c.3776_3796delinsTTT on transcript NM_007294.4 (MANE Select); coding-DNA positions 3776 to 3796, ATTTATTATCATTGAAGAATA replaced by TTT.
Protein change: p.Asn1259_Ser1266delinsIleCys.
Molecular consequence: inframe indel. On other transcripts: intron variant (135).
Genome position (GRCh38, 1-based): chr17:43,091,735-43,091,755, TATTCTTCAATGATAATAAAT replaced by AAA on the plus strand (ATTTATTATCATTGAAGAATA replaced by TTT on the coding strand, the reverse complement: BRCA1 is on the minus strand). VCF-style: chr17-43091735-TATTCTTCAATGATAATAAAT-AAA. GRCh37 (hg19) VCF-style: chr17-41243752-TATTCTTCAATGATAATAAAT-AAA.
Other names: c.3509_3529delinsTTT, p.Asn1170_Ser1177delinsIleCys (NM_001407931.1, NM_001407932.1, NM_001407930.1 and 2 more transcripts); c.3512_3532delinsTTT, p.Asn1171_Ser1178delinsIleCys (NM_001407933.1, NM_001407925.1, NM_001407926.1 and 9 more transcripts); c.3653_3673delinsTTT, p.Asn1218_Ser1225delinsIleCys (NM_001407919.1, NM_001407648.1, NM_001407664.1 and 19 more transcripts); c.3563_3583delinsTTT, p.Asn1188_Ser1195delinsIleCys (NM_001407916.1, NM_001407917.1, NM_001407918.1 and 9 more transcripts); c.3566_3586delinsTTT, p.Asn1189_Ser1196delinsIleCys (NM_001407910.1, NM_001407879.1, NM_001407881.1 and 13 more transcripts); c.3776_3796delinsTTT, p.Asn1259_Ser1266delinsIleCys (NM_001407581.1, NM_001407582.1, NM_001407583.1 and 30 more transcripts); c.3773_3793delinsTTT, p.Asn1258_Ser1265delinsIleCys (NM_001407587.1, NM_001407590.1, NM_001407591.1 and 22 more transcripts); c.3767_3787delinsTTT, p.Asn1256_Ser1263delinsIleCys (NM_001407646.1, NM_001407647.1); and 42 more.
Identifiers: ClinVar variation 4533105 (VCV004533105.2).